The following is an entry in ClinVar:

NM_002890.3(RASA1):c.2377C>T (p.Leu793Phe)

Genes: CCNH (cyclin H; minus strand), RASA1 (RAS p21 protein activator 1; plus strand). Cytogenetic location: 5q14.3.
Variant type: single nucleotide variant.
Coding change: c.2377C>T on transcript NM_002890.3 (MANE Select); coding-DNA position 2377, C replaced by T.
Protein change: p.Leu793Phe; replaces leucine 793 with phenylalanine.
Molecular consequence: missense variant. On other transcripts: intron variant (1).
Genome position (GRCh38, 1-based): chr5:87,378,428, C>T. VCF-style: chr5-87378428-C-T. GRCh37 (hg19) VCF-style: chr5-86674245-C-T.
Other names: c.1846C>T, p.Leu616Phe (NM_022650.3); c.933+16616G>A (NM_001364075.2); short protein forms L616F, L793F.
Identifiers: ClinVar variation 1355472 (VCV001355472.7), dbSNP rs2112495564, ClinGen allele CA360382105.

ClinVar aggregate classification (germline): Uncertain significance (1 of 4 stars; one submission).

Conditions:
Capillary malformation-arteriovenous malformation syndrome. Also called: Capillary malformation-arteriovenous malformation. Identifiers: Orphanet 137667, MedGen C1842180, MONDO:0012016.

Submission:

Labcorp Genetics (formerly Invitae), Labcorp
Classification: Uncertain significance for Capillary malformation-arteriovenous malformation syndrome. Last evaluated: 2022-09-01. Review status: criteria provided, single submitter. Criteria: Invitae Variant Classification Sherloc (09022015). Collection method: clinical testing. Allele origin: germline.
Comment: This variant is not present in population databases (gnomAD no frequency). This variant has not been reported in the literature in individuals affected with RASA1-related conditions. ClinVar contains an entry for this variant (Variation ID: 1355472). Algorithms developed to predict the effect of missense changes on protein structure and function are either unavailable or do not agree on the potential impact of this missense change (SIFT: "Deleterious"; PolyPhen-2: "Probably Damaging"; Align-GVGD: "Class C0"). In summary, the available evidence is currently insufficient to determine the role of this variant in disease. Therefore, it has been classified as a Variant of Uncertain Significance. This sequence change replaces leucine, which is neutral and non-polar, with phenylalanine, which is neutral and non-polar, at codon 793 of the RASA1 protein (p.Leu793Phe).